The following is an entry in ClinVar:

NM_014795.4(ZEB2):c.215C>G (p.Pro72Arg)

Gene: ZEB2 (zinc finger E-box binding homeobox 2; minus strand). Cytogenetic location: 2q22.3.
Variant type: single nucleotide variant.
Coding change: c.215C>G on transcript NM_014795.4 (MANE Select); coding-DNA position 215, C replaced by G.
Protein change: p.Pro72Arg; replaces proline 72 with arginine.
Molecular consequence: missense variant.
Genome position (GRCh38, 1-based): chr2:144,429,885, G>C on the plus strand (C>G on the coding strand, the complement: ZEB2 is on the minus strand). VCF-style: chr2-144429885-G-C. GRCh37 (hg19) VCF-style: chr2-145187452-G-C.
Other names: c.215C>G, p.Pro72Arg (NM_001171653.2); short protein forms P72R.
Identifiers: ClinVar variation 3687182 (VCV003687182.2).
Genomic context (GRCh38, chr2:144,429,885, plus strand): 5'-CCACCCTCCCTTATTTCATCTTCCTCTTCCTCTCTTGGCAACAGAGCTTGGCTCACGTGT[G>C]GGGAGGACTCATGGTTGGGCACACTAGCTGGACTCGTCTCCTGGTCCAGAGGGTTGGCAA-3'
Protein context (NP_055610.1, residues 62-82): PASVPNHESS[Pro72Arg]HVSQALLPRE

ClinVar aggregate classification (germline): Uncertain significance (1 of 4 stars; one submission).

Conditions:
Mowat-Wilson syndrome (MOWS). Also called: Classic Mowat-Wilson Syndrome. Identifiers: Orphanet 2152, MedGen C1856113, MONDO:0009341, OMIM 235730.

gnomAD v4.1: 1 of 1,613,656 alleles (0.000062%); highest among the groups gnomAD compares: East Asian, 0.0022%; no homozygotes.

Submission:

Labcorp Genetics (formerly Invitae), Labcorp
Classification: Uncertain significance for Mowat-Wilson syndrome. Last evaluated: 2024-08-28. Review status: criteria provided, single submitter. Criteria: Invitae Variant Classification Sherloc (09022015). Collection method: clinical testing. Allele origin: germline.
Comment: This sequence change replaces proline, which is neutral and non-polar, with arginine, which is basic and polar, at codon 72 of the ZEB2 protein (p.Pro72Arg). This variant is not present in population databases (gnomAD no frequency). This variant has not been reported in the literature in individuals affected with ZEB2-related conditions. An algorithm developed to predict the effect of missense changes on protein structure and function (PolyPhen-2) suggests that this variant is likely to be tolerated. In summary, the available evidence is currently insufficient to determine the role of this variant in disease. Therefore, it has been classified as a Variant of Uncertain Significance.